The following is an entry in ClinVar:

ClinVar aggregate classification (germline): Uncertain significance (1 of 4 stars; one submission).

Conditions:
Early-infantile DEE. Also called: Ohtahara syndrome; Early infantile epileptic encephalopathy with suppression bursts; Early infantile epileptic encephalopathy. Identifiers: Orphanet 1934, MedGen C0393706, MONDO:0800491.

Submission:

Labcorp Genetics (formerly Invitae), Labcorp
Classification: Uncertain significance for Early-infantile DEE. Last evaluated: 2022-01-15. Review status: criteria provided, single submitter. Criteria: Invitae Variant Classification Sherloc (09022015). Collection method: clinical testing. Allele origin: germline.
Comment: Algorithms developed to predict the effect of missense changes on protein structure and function are either unavailable or do not agree on the potential impact of this missense change (SIFT: "Deleterious"; PolyPhen-2: "Benign"; Align-GVGD: "Class C15"). This sequence change replaces leucine, which is neutral and non-polar, with phenylalanine, which is neutral and non-polar, at codon 2474 of the SPTAN1 protein (p.Leu2474Phe). This variant is not present in population databases (gnomAD no frequency). This variant has not been reported in the literature in individuals affected with SPTAN1-related conditions. In summary, the available evidence is currently insufficient to determine the role of this variant in disease. Therefore, it has been classified as a Variant of Uncertain Significance.

NM_001130438.3(SPTAN1):c.7420C>T (p.Leu2474Phe)

Gene: SPTAN1 (spectrin alpha, non-erythrocytic 1; plus strand). Cytogenetic location: 9q34.11.
Variant type: single nucleotide variant.
Coding change: c.7420C>T on transcript NM_001130438.3 (MANE Select); coding-DNA position 7420, C replaced by T.
Protein change: p.Leu2474Phe; replaces leucine 2474 with phenylalanine.
Molecular consequence: missense variant.
Genome position (GRCh38, 1-based): chr9:128,633,320, C>T. VCF-style: chr9-128633320-C-T. GRCh37 (hg19) VCF-style: chr9-131395599-C-T.
Other names: c.7345C>T, p.Leu2449Phe (NM_001195532.2); c.7483C>T, p.Leu2495Phe (NM_001363759.2); c.7360C>T, p.Leu2454Phe (NM_001363765.2, NM_001375314.2); c.7507C>T, p.Leu2503Phe (NM_001375310.1); c.7420C>T, p.Leu2474Phe (NM_001375311.2); c.7456C>T, p.Leu2486Phe (NM_001375312.2); c.7402C>T, p.Leu2468Phe (NM_001375313.1); c.7519C>T, p.Leu2507Phe (NM_001375318.1); and 1 more; short protein forms L2449F, L2474F, L2454F, L2486F, L2469F, L2495F, L2468F, L2503F.
Identifiers: ClinVar variation 2083111 (VCV002083111.4), dbSNP rs926397326, ClinGen allele CA375104099.